The following is an entry in ClinVar:

NM_007294.4(BRCA1):c.5366C>A (p.Ala1789Asp)

Gene: BRCA1 (BRCA1 DNA repair associated; minus strand). Cytogenetic location: 17q21.31.
Variant type: single nucleotide variant.
Coding change: c.5366C>A on transcript NM_007294.4 (MANE Select); coding-DNA position 5366, C replaced by A.
Protein change: p.Ala1789Asp; replaces alanine 1789 with aspartic acid.
Molecular consequence: missense variant. On other transcripts: non-coding transcript variant (1), intron variant (1).
Genome position (GRCh38, 1-based): chr17:43,049,161, G>T on the plus strand (C>A on the coding strand, the complement: BRCA1 is on the minus strand). VCF-style: chr17-43049161-G-T. GRCh37 (hg19) VCF-style: chr17-41201178-G-T.
Other names: c.5153C>A, p.Ala1718Asp (NM_001407571.1, NM_001407894.1, NM_001407895.1 and 12 more transcripts); c.5432C>A, p.Ala1811Asp (NM_001407581.1, NM_001407582.1); c.5429C>A, p.Ala1810Asp (NM_001407583.1, NM_001407585.1, NM_001407587.1 and 1 more transcripts); c.5426C>A, p.Ala1809Asp (NM_001407590.1, NM_001407591.1); c.5366C>A, p.Ala1789Asp (NM_001407593.1, NM_001407594.1, NM_001407596.1 and 5 more transcripts); c.5363C>A, p.Ala1788Asp (NM_001407617.1, NM_001407618.1, NM_001407619.1 and 14 more transcripts); c.5360C>A, p.Ala1787Asp (NM_001407636.1, NM_001407637.1, NM_001407638.1 and 13 more transcripts); c.5357C>A, p.Ala1786Asp (NM_001407644.1, NM_001407645.1); and 73 more; short protein forms A1742D, A1789D, A1810D, A685D, A1492D, A1620D, A1660D, A1676D.
Identifiers: ClinVar variation 868380 (VCV000868380.6), dbSNP rs2051085308, ClinGen allele CA10590737.

ClinVar aggregate classification (germline): Likely pathogenic (1 of 4 stars; one submission).

Conditions:
Hereditary breast ovarian cancer syndrome. Also called: Hereditary breast and ovarian cancer; Hereditary breast and ovarian cancer syndrome (HBOC); Breast and ovarian cancer; Hereditary breast and/or ovarian cancer syndrome; BRCA1- and BRCA2-Associated Hereditary Breast and Ovarian Cancer; Hereditary breast and ovarian cancer syndrome. Identifiers: Orphanet 145, MedGen C0677776, MeSH D061325, MONDO:0003582. Disease mechanism: loss of function.

Submissions (2):

Labcorp Genetics (formerly Invitae), Labcorp
Classification: Likely pathogenic for Hereditary breast ovarian cancer syndrome. Last evaluated: 2023-02-01. Review status: criteria provided, single submitter. Criteria: Invitae Variant Classification Sherloc (09022015). Collection method: clinical testing. Allele origin: germline.
Comment: ClinVar contains an entry for this variant (Variation ID: 868380). This variant has not been reported in the literature in individuals affected with BRCA1-related conditions. Advanced modeling performed at Invitae incorporating data from internal and/or published experimental studies (PMID: 30209399) indicates that this missense variant is expected to disrupt BRCA1 function. This variant disrupts the p.Ala1789 amino acid residue in BRCA1. Other variant(s) that disrupt this residue have been determined to be pathogenic (PMID: 18680205, 26381082; Invitae). This suggests that this residue is clinically significant, and that variants that disrupt this residue are likely to be disease-causing. In summary, the currently available evidence indicates that the variant is pathogenic, but additional data are needed to prove that conclusively. Therefore, this variant has been classified as Likely Pathogenic. This variant is not present in population databases (gnomAD no frequency). This sequence change replaces alanine, which is neutral and non-polar, with aspartic acid, which is acidic and polar, at codon 1789 of the BRCA1 protein (p.Ala1789Asp).

Brotman Baty Institute, University of Washington
No classification provided (evidence only). Condition: Breast-ovarian cancer, familial 1. Review status: no classification provided. Collection method: in vitro. Allele origin: not applicable. Functional consequence: functionally_abnormal. Not counted in ClinVar's aggregate classification.
ClinVar note: "not provided" was previously submitted as the classification for the variant. However, the classification appeared to be based only on an observation of functional data so it was converted to no classification on 2025-07-30.

Literature cited by the submitters: PubMed 30209399 (cited by Labcorp Genetics (formerly Invitae), Labcorp); PubMed 18680205 (cited by Labcorp Genetics (formerly Invitae), Labcorp); PubMed 26381082 (cited by Labcorp Genetics (formerly Invitae), Labcorp).